The following is an entry in ClinVar:

ClinVar aggregate classification (germline): Uncertain significance. Review status: criteria provided, multiple submitters, no conflicts (2 of 4 stars). 3 submissions from 3 submitters: Uncertain significance (3). Last evaluated 2025-03-01.

Conditions:
Donnai-Barrow syndrome. Also called: DBS/FOAR SYNDROME; FACIOOCULOACOUSTICORENAL SYNDROME. Identifiers: Orphanet 2143, MedGen C1857277, MONDO:0009104, OMIM 222448.
Inborn genetic diseases. Identifiers: MedGen C0950123, MeSH D030342.

Allele frequency attached by ClinVar (database versions not stated): gnomAD exomes 0.00001; gnomAD 0.00004; 1000 Genomes Project 30x 0.00016; 1000 Genomes Project 0.00020.
gnomAD v4.1: 99 of 1,614,226 alleles (0.0061%); highest among the groups gnomAD compares: Non-Finnish European, 0.0074%; 1 homozygote.

Submissions (3):

Ambry Genetics
Classification: Uncertain significance for Inborn genetic diseases. Last evaluated: 2025-03-01. Review status: criteria provided, single submitter. Criteria: Ambry Variant Classification Scheme 2023. Collection method: clinical testing. Allele origin: germline.

Labcorp Genetics (formerly Invitae), Labcorp
Classification: Uncertain significance. Last evaluated: 2022-07-25. Review status: criteria provided, single submitter. Criteria: Invitae Variant Classification Sherloc (09022015). Collection method: clinical testing. Allele origin: germline.
Comment: This sequence change replaces tyrosine, which is neutral and polar, with phenylalanine, which is neutral and non-polar, at codon 3436 of the LRP2 protein (p.Tyr3436Phe). This variant is present in population databases (rs201200378, gnomAD 0.003%). This variant has not been reported in the literature in individuals affected with LRP2-related conditions. ClinVar contains an entry for this variant (Variation ID: 1476695). Advanced modeling of protein sequence and biophysical properties (such as structural, functional, and spatial information, amino acid conservation, physicochemical variation, residue mobility, and thermodynamic stability) performed at Invitae indicates that this missense variant is not expected to disrupt LRP2 protein function. In summary, the available evidence is currently insufficient to determine the role of this variant in disease. Therefore, it has been classified as a Variant of Uncertain Significance.

Fulgent Genetics
Classification: Uncertain significance for Donnai-Barrow syndrome. Last evaluated: 2021-09-28. Review status: criteria provided, single submitter. Criteria: ACMG Guidelines, 2015. Collection method: clinical testing. Allele origin: unknown.

NM_004525.3(LRP2):c.10307A>T (p.Tyr3436Phe)

Gene: LRP2 (LDL receptor related protein 2; minus strand). Cytogenetic location: 2q31.1.
Variant type: single nucleotide variant.
Coding change: c.10307A>T on transcript NM_004525.3 (MANE Select); coding-DNA position 10307, A replaced by T.
Protein change: p.Tyr3436Phe; replaces tyrosine 3436 with phenylalanine.
Molecular consequence: missense variant.
Genome position (GRCh38, 1-based): chr2:169,177,889, T>A on the plus strand (A>T on the coding strand, the complement: LRP2 is on the minus strand). VCF-style: chr2-169177889-T-A. GRCh37 (hg19) VCF-style: chr2-170034399-T-A.
Other names: c.10307A>T (NM_004525.2); short protein forms Y3436F.
Identifiers: ClinVar variation 1476695 (VCV001476695.10), dbSNP rs201200378, ClinGen allele CA59915314.